The following is an entry in ClinVar:

NM_000883.4(IMPDH1):c.862C>T (p.Arg288Cys)

Gene: IMPDH1 (inosine monophosphate dehydrogenase 1; minus strand). Cytogenetic location: 7q32.1.
Variant type: single nucleotide variant.
Coding change: c.862C>T on transcript NM_000883.4 (MANE Select); coding-DNA position 862, C replaced by T.
Protein change: p.Arg288Cys; replaces arginine 288 with cysteine.
Molecular consequence: missense variant.
Genome position (GRCh38, 1-based): chr7:128,400,107, G>A on the plus strand (C>T on the coding strand, the complement: IMPDH1 is on the minus strand). VCF-style: chr7-128400107-G-A. GRCh37 (hg19) VCF-style: chr7-128040161-G-A.
Other names: c.832C>T, p.Arg278Cys (NM_001102605.2); c.607C>T, p.Arg203Cys (NM_001142573.2); c.592C>T, p.Arg198Cys (NM_001142574.2); c.532C>T, p.Arg178Cys (NM_001142575.2); c.763C>T, p.Arg255Cys (NM_001142576.2); c.655C>T, p.Arg219Cys (NM_001304521.2); c.754C>T, p.Arg252Cys (NM_183243.3); short protein forms R198C, R219C, R252C, R288C, R178C, R203C, R255C, R278C.
Identifiers: ClinVar variation 866030 (VCV000866030.5), dbSNP rs144929093, ClinGen allele CA4471013.

ClinVar aggregate classification (germline): Uncertain significance. Review status: criteria provided, multiple submitters, no conflicts (2 of 4 stars). 2 submissions from 2 submitters: Uncertain significance (2). Last evaluated 2023-09-21.

Allele frequency attached by ClinVar (database versions not stated): TOPMed below 0.00001; gnomAD 0.00001 and 0.00002; ExAC 0.00002; gnomAD exomes 0.00002; 1000 Genomes Project 30x 0.00016; 1000 Genomes Project 0.00020.
gnomAD v4.1: 35 of 1,612,296 alleles (0.0022%); highest among the groups gnomAD compares: Non-Finnish European, 0.0027%; no homozygotes.

Submissions (2):

Blueprint Genetics
Classification: Uncertain significance. Last evaluated: 2023-09-21. Review status: criteria provided, single submitter. Criteria: ACMG Guidelines, 2015. Collection method: clinical testing. Allele origin: germline.

Labcorp Genetics (formerly Invitae), Labcorp
Classification: Uncertain significance. Last evaluated: 2022-11-08. Review status: criteria provided, single submitter. Criteria: Invitae Variant Classification Sherloc (09022015). Collection method: clinical testing. Allele origin: germline.
Comment: In summary, the available evidence is currently insufficient to determine the role of this variant in disease. Therefore, it has been classified as a Variant of Uncertain Significance. Algorithms developed to predict the effect of sequence changes on RNA splicing suggest that this variant may disrupt the consensus splice site. Algorithms developed to predict the effect of missense changes on protein structure and function are either unavailable or do not agree on the potential impact of this missense change (SIFT: "Deleterious"; PolyPhen-2: "Benign"; Align-GVGD: "Class C25"). ClinVar contains an entry for this variant (Variation ID: 866030). This variant has not been reported in the literature in individuals affected with IMPDH1-related conditions. This variant is present in population databases (rs144929093, gnomAD 0.005%). This sequence change replaces arginine, which is basic and polar, with cysteine, which is neutral and slightly polar, at codon 288 of the IMPDH1 protein (p.Arg288Cys).